The following is an entry in ClinVar:

NM_002734.5(PRKAR1A):c.580G>A (p.Val194Ile)

Gene: PRKAR1A (protein kinase cAMP-dependent type I regulatory subunit alpha; plus strand). Cytogenetic location: 17q24.2.
Variant type: single nucleotide variant.
Coding change: c.580G>A on transcript NM_002734.5 (MANE Select); coding-DNA position 580, G replaced by A.
Protein change: p.Val194Ile; replaces valine 194 with isoleucine.
Molecular consequence: missense variant.
Genome position (GRCh38, 1-based): chr17:68,525,784, G>A. VCF-style: chr17-68525784-G-A. GRCh37 (hg19) VCF-style: chr17-66521925-G-A.
Other names: c.580G>A, p.Val194Ile (NM_001369389.1, NM_001369390.1, NM_001276289.2 and 4 more transcripts); short protein forms V194I.
Identifiers: ClinVar variation 1009647 (VCV001009647.11), dbSNP rs2085771071, ClinGen allele CA400753117.

ClinVar aggregate classification (germline): Uncertain significance. Review status: criteria provided, multiple submitters, no conflicts (2 of 4 stars). 2 submissions from 2 submitters: Uncertain significance (2). Last evaluated 2023-12-12.

Conditions:
Hereditary cancer-predisposing syndrome. Also called: Tumor predisposition; Hereditary neoplastic syndrome; Neoplastic Syndromes, Hereditary; Hereditary Cancer Syndrome. Identifiers: Orphanet 140162, MedGen C0027672, MeSH D009386, MONDO:0015356.
Carney complex, type 1 (CNC1). Also called: CARNEY MYXOMA-ENDOCRINE COMPLEX; CARNEY COMPLEX, TYPE I. Identifiers: Orphanet 1359, MedGen C2607929, MONDO:0008057, OMIM 160980.

Submissions (2):

Labcorp Genetics (formerly Invitae), Labcorp
Classification: Uncertain significance for Carney complex, type 1. Last evaluated: 2023-12-12. Review status: criteria provided, single submitter. Criteria: Invitae Variant Classification Sherloc (09022015). Collection method: clinical testing. Allele origin: germline.
Comment: This sequence change replaces valine, which is neutral and non-polar, with isoleucine, which is neutral and non-polar, at codon 194 of the PRKAR1A protein (p.Val194Ile). This variant is not present in population databases (gnomAD no frequency). This variant has not been reported in the literature in individuals affected with PRKAR1A-related conditions. ClinVar contains an entry for this variant (Variation ID: 1009647). Advanced modeling of protein sequence and biophysical properties (such as structural, functional, and spatial information, amino acid conservation, physicochemical variation, residue mobility, and thermodynamic stability) performed at Invitae indicates that this missense variant is not expected to disrupt PRKAR1A protein function with a negative predictive value of 80%. In summary, the available evidence is currently insufficient to determine the role of this variant in disease. Therefore, it has been classified as a Variant of Uncertain Significance.

Ambry Genetics
Classification: Uncertain significance for Hereditary cancer-predisposing syndrome. Last evaluated: 2020-12-02. Review status: criteria provided, single submitter. Criteria: Ambry Variant Classification Scheme 2023. Collection method: clinical testing. Allele origin: germline.
Comment: The p.V194I variant (also known as c.580G>A), located in coding exon 6 of the PRKAR1A gene, results from a G to A substitution at nucleotide position 580. The valine at codon 194 is replaced by isoleucine, an amino acid with highly similar properties. This amino acid position is not well conserved in available vertebrate species, and isoleucine is the reference amino acid in other vertebrate species. In addition, this alteration is predicted to be tolerated by in silico analysis. This missense alteration is located in a region that has a low rate of benign missense variation (Lek M et al. Nature. 2016 Aug 18;536(7616):285-91; DECIPHER: Database of Chromosomal Imbalance and Phenotype in Humans using Ensembl Resources. Firth H.V. et al. 2009. Am.J.Hum.Genet. 84, 524-533 (DOI)). Since supporting evidence is limited at this time, the clinical significance of this alteration remains unclear.